The following is an entry in ClinVar:

NM_001385641.1(SAMD11):c.1904_1907dup (p.Asp636fs)

Gene: SAMD11 (sterile alpha motif domain containing 11; plus strand). Cytogenetic location: 1p36.33.
Variant type: Duplication.
Coding change: c.1904_1907dup on transcript NM_001385641.1 (MANE Select); coding-DNA positions 1904 to 1907, 4 bases duplicated (AGGA; older notation c.1904_1907dupAGGA).
Protein change: p.Asp636fs; shifts the reading frame from aspartic acid 636.
Molecular consequence: frameshift variant.
Genome position (GRCh38, 1-based): chr1:942,909-942,912, AGGA duplicated. VCF-style (leftmost placement, unchanged base first): chr1-942908-G-GAGGA. GRCh37 (hg19) VCF-style: chr1-878288-G-GAGGA.
Other names: c.1907_1910dup, p.Asp637fs (NM_001385640.1); c.1415_1418dup, p.Asp473fs (NM_152486.4); short protein forms D473fs, D637fs, D636fs.
Identifiers: ClinVar variation 2010900 (VCV002010900.4), dbSNP rs2522716438, ClinGen allele CA2574221022.

ClinVar aggregate classification (germline): Uncertain significance (1 of 4 stars; one submission).

Submission:

Labcorp Genetics (formerly Invitae), Labcorp
Classification: Uncertain significance. Last evaluated: 2022-06-26. Review status: criteria provided, single submitter. Criteria: Invitae Variant Classification Sherloc (09022015). Collection method: clinical testing. Allele origin: germline.
Comment: In summary, the available evidence is currently insufficient to determine the role of this variant in disease. Therefore, it has been classified as a Variant of Uncertain Significance. This variant has not been reported in the literature in individuals affected with SAMD11-related conditions. This variant is not present in population databases (gnomAD no frequency). This sequence change creates a premature translational stop signal (p.Asp473Glufs*67) in the SAMD11 gene. It is expected to result in an absent or disrupted protein product. However, the current clinical and genetic evidence is not sufficient to establish whether loss-of-function variants in SAMD11 cause disease.